The following is an entry in ClinVar:

ClinVar aggregate classification (germline): Benign. Review status: criteria provided, multiple submitters, no conflicts (2 of 4 stars). 3 submissions from 3 submitters: Benign (2). 1 of the submissions does not count toward it. Last evaluated 2018-06-21.

Conditions:
PCBP3-related disorder. Also called: PCBP3-related condition.

Allele frequency attached by ClinVar (database versions not stated): gnomAD exomes 0.00417; ExAC 0.00520; gnomAD 0.01493; ESP Exome Variant Server 0.01775; TOPMed 0.01839; 1000 Genomes Project 0.01877; 1000 Genomes Project 30x 0.02014.
gnomAD v4.1: 4,821 of 1,606,558 alleles (0.3%); highest among the groups gnomAD compares: African/African-American, 5.5%; 122 homozygotes.

Submissions (3):

Labcorp Genetics (formerly Invitae), Labcorp
Classification: Benign. Last evaluated: 2018-06-21. Review status: criteria provided, single submitter. Criteria: Invitae Variant Classification Sherloc (09022015). Collection method: clinical testing. Allele origin: germline.

Breakthrough Genomics
Classification: Benign. Review status: criteria provided, single submitter. Criteria: ACMG Guidelines, 2015. Collection method: not provided. Allele origin: germline. Inheritance: Unknown mechanism. Affected: yes.

PreventionGenetics, part of Exact Sciences
Classification: Benign for PCBP3-related condition. Last evaluated: 2019-11-25. Review status: no assertion criteria provided. Collection method: clinical testing. Allele origin: germline. Not counted in ClinVar's aggregate classification.
Comment: This variant is classified as benign based on ACMG/AMP sequence variant interpretation guidelines (Richards et al. 2015 PMID: 25741868, with internal and published modifications).

NM_001384156.1(PCBP3):c.1086G>A (p.Thr362=)

Gene: PCBP3 (poly(rC) binding protein 3; plus strand). Cytogenetic location: 21q22.3.
Variant type: single nucleotide variant.
Coding change: c.1086G>A on transcript NM_001384156.1 (MANE Select); coding-DNA position 1086, G replaced by A.
Protein change: p.Thr362=; no amino-acid change (threonine 362 retained).
Molecular consequence: synonymous variant. On other transcripts: non-coding transcript variant (2).
Genome position (GRCh38, 1-based): chr21:45,941,676, G>A. VCF-style: chr21-45941676-G-A. GRCh37 (hg19) VCF-style: chr21-47361590-G-A.
Other names: c.1008G>A, p.Thr336= (NM_001130141.2); c.1083G>A, p.Thr361= (NM_001348238.2, NM_001382278.1); c.1152G>A, p.Thr384= (NM_001348239.2); c.1155G>A, p.Thr385= (NM_001348240.2, NM_001382279.1); c.1119G>A, p.Thr373= (NM_001348241.2); c.990G>A, p.Thr330= (NM_001348242.2, NM_001382276.1); c.1023G>A, p.Thr341= (NM_001348243.2); c.1026G>A, p.Thr342= (NM_001348244.2); and 3 more.
Identifiers: ClinVar variation 781522 (VCV000781522.6), dbSNP rs61736689, ClinGen allele CA10069381.